The following is an entry in ClinVar:

NM_001378454.1(ALMS1):c.11745C>T (p.Ser3915=)

Gene: ALMS1 (ALMS1 centrosome and basal body associated protein; plus strand). Cytogenetic location: 2p13.1.
Variant type: single nucleotide variant.
Coding change: c.11745C>T on transcript NM_001378454.1 (MANE Select); coding-DNA position 11745, C replaced by T.
Protein change: p.Ser3915=; no amino-acid change (serine 3915 retained).
Molecular consequence: synonymous variant.
Genome position (GRCh38, 1-based): chr2:73,600,754, C>T. VCF-style: chr2-73600754-C-T. GRCh37 (hg19) VCF-style: chr2-73827881-C-T.
Other names: c.11748C>T, p.Ser3916= (NM_015120.4).
Identifiers: ClinVar variation 391448 (VCV000391448.61), dbSNP rs147831309, ClinGen allele CA1715309.

ClinVar aggregate classification (germline): Benign/Likely benign. Review status: criteria provided, multiple submitters, no conflicts (2 of 4 stars). 13 submissions from 13 submitters: Benign (3); Likely benign (6). 4 of the submissions do not count toward it. Last evaluated 2026-07-01.

Conditions:
Alstrom syndrome (ALMS). Identifiers: Orphanet 64, MedGen C0268425, MONDO:0008763, OMIM 203800.
Cardiovascular phenotype. Identifiers: MedGen CN230736.

Allele frequency attached by ClinVar (database versions not stated): 1000 Genomes Project 0.00060; 1000 Genomes Project 30x 0.00078; ESP Exome Variant Server 0.00100; gnomAD 0.00121 and 0.00131; TOPMed 0.00128; ExAC 0.00187; gnomAD exomes 0.00189.

Submissions (13):

CeGaT Center for Human Genetics Tuebingen
Classification: Likely benign. Last evaluated: 2026-07-01. Review status: criteria provided, single submitter. Criteria: CeGaT Center For Human Genetics Tuebingen Variant Classification Criteria Version 2. Collection method: clinical testing. Allele origin: germline. Affected: yes. Observed: 7 variant alleles.
Comment: ALMS1: BP4, BP7

Labcorp Genetics (formerly Invitae), Labcorp
Classification: Benign for Alstrom syndrome. Last evaluated: 2026-02-02. Review status: criteria provided, single submitter. Criteria: Invitae Variant Classification Sherloc (09022015). Collection method: clinical testing. Allele origin: germline.

Blueprint Genetics
Classification: Likely benign. Last evaluated: 2024-11-22. Review status: criteria provided, single submitter. Criteria: ACMG Guidelines, 2015. Collection method: clinical testing. Allele origin: germline.

Ambry Genetics
Classification: Likely benign for Cardiovascular phenotype. Last evaluated: 2019-04-16. Review status: criteria provided, single submitter. Criteria: Ambry Variant Classification Scheme 2023. Collection method: clinical testing. Allele origin: germline.

GeneDx
Classification: Benign. Last evaluated: 2018-10-11. Review status: criteria provided, single submitter. Criteria: GeneDx Variant Classification Process June 2021. Collection method: clinical testing. Allele origin: germline. Affected: yes.

Laboratory for Molecular Medicine, Mass General Brigham Personalized Medicine
Classification: Likely benign. Last evaluated: 2017-08-23. Review status: criteria provided, single submitter. Criteria: LMM Criteria. Collection method: clinical testing. Allele origin: germline. Observed: 1 variant allele.
Comment: p.Ser3914Ser in exon 18 of ALMS1: This variant is not expected to have clinical significance because it does not alter an amino acid residue and is not located within the splice consensus sequence. It has been identified in 0.37% (61/16494) of South Asian chromosomes by the Exome Aggregation Consortium (ExAC; dbSNP rs147831309).

Eurofins Ntd Llc (ga)
Classification: Benign. Last evaluated: 2017-01-18. Review status: criteria provided, single submitter. Criteria: EGL Classification Definitions 2015. Collection method: clinical testing. Allele origin: germline. Observed: 1 variant allele, 1 heterozygote.

Genetic Services Laboratory, University of Chicago
Classification: Likely benign. Last evaluated: 2016-06-30. Review status: criteria provided, single submitter. Criteria: ACMG Guidelines, 2015. Collection method: clinical testing. Allele origin: germline. Affected: no.

Breakthrough Genomics
Classification: Likely benign. Review status: criteria provided, single submitter. Criteria: ACMG Guidelines, 2015. Collection method: not provided. Allele origin: germline. Inheritance: Autosomal recessive inheritance. Affected: yes.

Natera, Inc.
Classification: Benign for Alstrom syndrome. Last evaluated: 2019-12-09. Review status: no assertion criteria provided. Collection method: clinical testing. Allele origin: germline. Not counted in ClinVar's aggregate classification.

Clinical Genetics DNA and cytogenetics Diagnostics Lab, Erasmus MC, Erasmus Medical Center
Classification: Likely benign. Review status: no assertion criteria provided. Collection method: clinical testing. Allele origin: germline. Affected: yes. Study: VKGL Data-share Consensus. Not counted in ClinVar's aggregate classification.

Clinical Genetics, Academic Medical Center
Classification: Benign. Review status: no assertion criteria provided. Collection method: clinical testing. Allele origin: germline. Affected: yes. Study: VKGL Data-share Consensus. Not counted in ClinVar's aggregate classification.

Genome Diagnostics Laboratory, University Medical Center Utrecht
Classification: Likely benign. Review status: no assertion criteria provided. Collection method: clinical testing. Allele origin: germline. Affected: yes. Study: VKGL Data-share Consensus. Not counted in ClinVar's aggregate classification.